The following is an entry in ClinVar:

NM_000384.3(APOB):c.5694T>C (p.Ser1898=)

Gene: APOB (apolipoprotein B; minus strand). Cytogenetic location: 2p24.1.
Variant type: single nucleotide variant.
Coding change: c.5694T>C on transcript NM_000384.3 (MANE Select); coding-DNA position 5694, T replaced by C.
Protein change: p.Ser1898=; no amino-acid change (serine 1898 retained).
Molecular consequence: synonymous variant.
Genome position (GRCh38, 1-based): chr2:21,011,174, A>G on the plus strand (T>C on the coding strand, the complement: APOB is on the minus strand). VCF-style: chr2-21011174-A-G. GRCh37 (hg19) VCF-style: chr2-21234046-A-G.
Identifiers: ClinVar variation 4076996 (VCV004076996.1).

ClinVar aggregate classification (germline): Likely benign (1 of 4 stars; one submission).

Conditions:
Familial hypercholesterolemia. Also called: Familial hypercholesterolaemia. Identifiers: MedGen C0020445, MONDO:0005439.

gnomAD v4.1: 2 of 1,614,218 alleles (0.00012%); highest among the groups gnomAD compares: Admixed American, 0.0033%; no homozygotes.

Submission:

GENinCode PLC
Classification: Likely benign for Familial hypercholesterolemia. Last evaluated: 2025-07-18. Review status: criteria provided, single submitter. Criteria: ACMG Guidelines, 2015. Collection method: clinical testing. Allele origin: germline.
Comment: This is a synonymous (silent) variant that is not predicted to impact splicing and occurs at a nucleotide which is not highly conserved. This variant has been classified as Likely Benign (BP4, BP7).